The following is an entry in ClinVar:

ClinVar aggregate classification (germline): Uncertain significance. Review status: criteria provided, multiple submitters, no conflicts (2 of 4 stars). 3 submissions from 3 submitters: Uncertain significance (2). 1 of the submissions does not count toward it. Last evaluated 2026-03-11.

Conditions:
CFTR-related disorder (CFTR-RD). Also called: CFTR-related condition; CFTR-related disorders. Identifiers: MedGen C5924204, MONDO:7770004.
Cystic fibrosis (CF). Also called: MUCOVISCIDOSIS. Identifiers: Orphanet 586, MedGen C0010674, MONDO:0009061, OMIM 219700. Disease mechanism: loss of function.

Allele frequency attached by ClinVar (database versions not stated): ExAC 0.00005; gnomAD exomes 0.00004 and 0.00003.
gnomAD v4.1: 37 of 1,614,016 alleles (0.0023%); highest among the groups gnomAD compares: South Asian, 0.041%; 1 homozygote.

Submissions (3):

Women's Health and Genetics/Laboratory Corporation of America, LabCorp
Classification: Uncertain significance. Last evaluated: 2026-03-11. Review status: criteria provided, single submitter. Criteria: LabCorp Variant Classification Summary - May 2015. Collection method: clinical testing. Allele origin: germline.
Comment: Variant summary: CFTR c.4096A>T (p.Ile1366Phe) results in a non-conservative amino acid change located in the second AAA+ ATPase domain (IPR003593) of the encoded protein sequence. Algorithms developed to predict the effect of missense changes on protein structure and function all suggest that this variant is likely to be disruptive. The variant allele was found at a frequency of 2.3e-05 in 1607048 control chromosomes, predominantly at a frequency of 0.00041 within the South Asian subpopulation in the gnomAD database (v4.1 dataset), including 1 homozygote. This frequency is not significantly higher than estimated for disease-causing variants in CFTR, allowing no conclusion about variant significance. c.4096A>T has been observed in individuals affected with (suspected) Cystic Fibrosis and other phenotypes, but was also found in unaffected (e.g. Sheth_2003, Dankert-Roelse_2018, Arslan_2019). These reports do not provide unequivocal conclusions about association of the variant with Cystic Fibrosis. A different variant affecting the same codon has been classified as likely pathogenic/pathogenic by our lab (c.4097T>A, p.Ile1366Asn), supporting the critical relevance of codon 1366 to CFTR protein function. To our knowledge, no experimental evidence demonstrating an impact on protein function has been reported. The following publications have been ascertained in the context of this evaluation (PMID: 31976142, 30146269, 15784035, 25880441, 12783301, 33138774). ClinVar contains an entry for this variant (Variation ID: 632751). Based on the evidence outlined above, the variant was classified as uncertain significance.

Ambry Genetics
Classification: Uncertain significance for Cystic fibrosis. Last evaluated: 2022-06-08. Review status: criteria provided, single submitter. Criteria: Ambry Variant Classification Scheme 2023. Collection method: clinical testing. Allele origin: germline.
Comment: The p.I1366F variant (also known as c.4096A>T), located in coding exon 25 of the CFTR gene, results from an A to T substitution at nucleotide position 4096. The isoleucine at codon 1366 is replaced by phenylalanine, an amino acid with highly similar properties. This alteration has been reported in a subject with primary sclerosing cholangitis and in an infant from a newborn screening cohort (Sheth S et al. Hum. Genet., 2003 Aug;113:286-92; Dankert-Roelse JE et al. J. Cyst. Fibros., 2019 Jan;18:54-63). This amino acid position is highly conserved in available vertebrate species. In addition, this alteration is predicted to be deleterious by in silico analysis. Since supporting evidence is limited at this time, the clinical significance of this alteration remains unclear.

Natera, Inc.
Classification: Uncertain significance for CFTR-related disorders. Last evaluated: 2018-10-15. Review status: no assertion criteria provided. Collection method: clinical testing. Allele origin: germline. Not counted in ClinVar's aggregate classification.

Literature cited by the submitters: PubMed 12783301 (cited by Women's Health and Genetics/Laboratory Corporation of America, LabCorp and Ambry Genetics); PubMed 15784035 (cited by Women's Health and Genetics/Laboratory Corporation of America, LabCorp); PubMed 25880441 (cited by Women's Health and Genetics/Laboratory Corporation of America, LabCorp); PubMed 30146269 (cited by Women's Health and Genetics/Laboratory Corporation of America, LabCorp and Ambry Genetics); PubMed 33138774 (cited by Women's Health and Genetics/Laboratory Corporation of America, LabCorp); PubMed 31976142 (cited by Women's Health and Genetics/Laboratory Corporation of America, LabCorp).

NM_000492.4(CFTR):c.4096A>T (p.Ile1366Phe)

Gene: CFTR (CF transmembrane conductance regulator; plus strand). Cytogenetic location: 7q31.2.
Variant type: single nucleotide variant.
Coding change: c.4096A>T on transcript NM_000492.4 (MANE Select); coding-DNA position 4096, A replaced by T.
Protein change: p.Ile1366Phe; replaces isoleucine 1366 with phenylalanine.
Molecular consequence: missense variant.
Genome position (GRCh38, 1-based): chr7:117,664,820, A>T. VCF-style: chr7-117664820-A-T. GRCh37 (hg19) VCF-style: chr7-117304874-A-T.
Other names: short protein forms I1366F.
Identifiers: ClinVar variation 632751 (VCV000632751.7), dbSNP rs770345073, ClinGen allele CA4451628.